The following is an entry in ClinVar:

NM_001393504.1(MAST3):c.1309del (p.Gln437fs)

Gene: MAST3 (microtubule associated serine/threonine kinase 3; plus strand). Cytogenetic location: 19p13.11.
Variant type: Deletion.
Coding change: c.1309del on transcript NM_001393504.1 (MANE Select); coding-DNA position 1309, one base deleted (C; older notation c.1309delC).
Protein change: p.Gln437fs; shifts the reading frame from glutamine 437.
Molecular consequence: frameshift variant.
Genome position (GRCh38, 1-based): chr19:18,130,579, C deleted; the last of 2 consecutive C bases (chr19:18,130,578-18,130,579); deleting either gives the same sequence. VCF-style (leftmost placement, unchanged base first): chr19-18130577-AC-A. GRCh37 (hg19) VCF-style: chr19-18241387-AC-A.
Other names: c.1261del, p.Gln421fs (NM_001393513.1, NM_001393506.1); c.1222del, p.Gln408fs (NM_001393514.1, NM_015016.2); c.1219del, p.Gln407fs (NM_001393515.1, NM_001393520.1); c.1243del, p.Gln415fs (NM_001393516.1, NM_001393508.1); c.1240del, p.Gln414fs (NM_001393517.1, NM_001393518.1, NM_001393509.1 and 2 more transcripts); c.1237del, p.Gln413fs (NM_001393519.1, NM_001393511.1); c.1195del, p.Gln399fs (NM_001393521.1); c.1333del, p.Gln445fs (NM_001393501.1); and 4 more; short protein forms Q399fs, Q407fs, Q408fs, Q413fs, Q414fs, Q415fs, Q421fs, Q430fs.
Identifiers: ClinVar variation 5018415 (VCV005018415.1).

ClinVar aggregate classification (germline): Uncertain significance (1 of 4 stars; one submission).

Submission:

GeneDx
Classification: Uncertain significance. Last evaluated: 2026-04-10. Review status: criteria provided, single submitter. Criteria: GeneDx Variant Classification Process June 2021. Collection method: clinical testing. Allele origin: germline.
Comment: Frameshift variant predicted to result in protein truncation or nonsense mediated decay in a gene or region of a gene for which loss of function is not a well-established mechanism of disease; Not observed at significant frequency in large population cohorts (gnomAD); Has not been previously published as pathogenic or benign to our knowledge